The following is an entry in ClinVar:

NM_000059.4(BRCA2):c.8049_8050insT (p.Lys2684Ter)

Gene: BRCA2 (BRCA2 DNA repair associated; plus strand). Cytogenetic location: 13q13.1.
Variant type: Insertion.
Coding change: c.8049_8050insT on transcript NM_000059.4 (MANE Select); coding-DNA positions 8049 to 8050, T inserted.
Protein change: p.Lys2684Ter; replaces lysine 2684 with a stop codon.
Molecular consequence: nonsense.
Genome position: GRCh38 VCF-style: chr13-32363251-A-AT. GRCh37 (hg19) VCF-style: chr13-32937388-A-AT.
Other names: 8277insT; short protein forms K2684*.
Identifiers: ClinVar variation 267051 (VCV000267051.5), dbSNP rs886040742, ClinGen allele CA10589465.
Genomic context (GRCh38, chr13:32,363,251, plus strand): 5'-AATTGATAGAAGCAGAAGATCGGCTATAAAAAAGATAATGGAAAGGGATGACACAGCTGC[A>AT]AAAACACTTGTTCTCTGTGTTTCTGACATAATTTCATTGAGCGCAAATATATCTGAAACT-3'

ClinVar aggregate classification (germline): Pathogenic. Review status: reviewed by expert panel (3 of 4 stars). 2 submissions from 2 submitters: Pathogenic (1). 1 of the submissions does not count toward it. Last evaluated 2016-10-18.

Conditions:
Breast-ovarian cancer, familial, susceptibility to, 2 (BROVCA2). Also called: BRCA2 Hereditary Breast and Ovarian Cancer. Identifiers: Orphanet 145, MedGen C2675520, MONDO:0012933, OMIM 612555. Disease mechanism: loss of function.

Submissions (2):

Evidence-based Network for the Interpretation of Germline Mutant Alleles (ENIGMA)
Classification: Pathogenic for Breast-ovarian cancer, familial, susceptibility to, 2. Last evaluated: 2016-10-18. Review status: reviewed by expert panel. Criteria: ENIGMA BRCA1/2 Classification Criteria (2015). Collection method: curation. Allele origin: germline.
Comment: Variant allele predicted to encode a truncated non-functional protein.

Consortium of Investigators of Modifiers of BRCA1/2 (CIMBA), c/o University of Cambridge
Classification: Pathogenic for Breast-ovarian cancer, familial, susceptibility to, 2. Last evaluated: 2015-10-02. Review status: criteria provided, single submitter. Criteria: CIMBA Mutation Classification guidelines May 2016. Collection method: clinical testing. Allele origin: germline. Not counted in ClinVar's aggregate classification.